The following is an entry in ClinVar:

NM_000377.3(WAS):c.390C>T (p.Asp130=)

Gene: WAS (WASP actin nucleation promoting factor; plus strand). Cytogenetic location: Xp11.23.
Variant type: single nucleotide variant.
Coding change: c.390C>T on transcript NM_000377.3 (MANE Select); coding-DNA position 390, C replaced by T.
Protein change: p.Asp130=; no amino-acid change (aspartic acid 130 retained).
Molecular consequence: synonymous variant.
Genome position (GRCh38, 1-based): chrX:48,685,763, C>T. VCF-style: chrX-48685763-C-T. GRCh37 (hg19) VCF-style: chrX-48544152-C-T.
Other names: p.Asp130=.
Identifiers: ClinVar variation 697928 (VCV000697928.11), dbSNP rs782593697, ClinGen allele CA10403911.
Genomic context (GRCh38, chrX:48,685,763, plus strand): 5'-TGGGAGGCGGCTGACCCCAAGGTATGTGCAGGACTGCCAAGCGGGGCTGAACTTTGCAGA[C>T]GAGGACGAGGCCCAGGCCTTCCGGGCCCTCGTGCAGGAGAAGATACAAAAAAGGAATCAG-3'
Protein context (NP_000368.1, residues 120-140): DDCQAGLNFA[Asp130=]EDEAQAFRAL

ClinVar aggregate classification (germline): Likely benign. Review status: criteria provided, multiple submitters, no conflicts (2 of 4 stars). 3 submissions from 3 submitters: Likely benign (3). Last evaluated 2025-05-27.

Conditions:
X-linked severe congenital neutropenia (SCNX). Identifiers: Orphanet 86788, MedGen C1845987, MONDO:0010294, OMIM 300299.
Thrombocytopenia 1. Also called: X-linked thrombocytopenia with normal platelets; X-Linked Thrombocytopenia (XLT); THROMBOCYTOPENIA, X-LINKED, 1. Identifiers: Orphanet 268322, Orphanet 852, MedGen C1839163, MONDO:0010743, OMIM 313900.
Wiskott-Aldrich syndrome (WAS). Also called: ALDRICH SYNDROME; IMMUNODEFICIENCY 2; WISKOTT-ALDRICH SYNDROME 1; Wiskott-aldrich syndrome, somatic. Identifiers: Orphanet 906, MedGen C0043194, MONDO:0010518, OMIM 301000.

Allele frequency attached by ClinVar (database versions not stated): gnomAD 0.00002; gnomAD exomes 0.00002 and 0.00003; TOPMed 0.00005; ExAC 0.00010.
gnomAD v4.1: 21 of 1,179,558 alleles (0.0018%); highest among the groups gnomAD compares: East Asian, 0.0094%; no homozygotes.

Submissions (3):

Mayo Clinic Laboratories, Mayo Clinic
Classification: Likely benign. Last evaluated: 2025-05-27. Review status: criteria provided, single submitter. Criteria: ACMG Guidelines, 2015. Collection method: clinical testing. Allele origin: germline. Observed: 1 variant allele.
Comment: BP4, BP7

Labcorp Genetics (formerly Invitae), Labcorp
Classification: Likely benign for Wiskott-Aldrich syndrome; X-linked severe congenital neutropenia; Thrombocytopenia 1. Last evaluated: 2025-05-26. Review status: criteria provided, single submitter. Criteria: Invitae Variant Classification Sherloc (09022015). Collection method: clinical testing. Allele origin: germline.

Women's Health and Genetics/Laboratory Corporation of America, LabCorp
Classification: Likely benign. Last evaluated: 2024-02-06. Review status: criteria provided, single submitter. Criteria: LabCorp Variant Classification Summary - May 2015. Collection method: clinical testing. Allele origin: germline.